The following is an entry in ClinVar:

NM_004360.5(CDH1):c.2347A>G (p.Thr783Ala)

Gene: CDH1 (cadherin 1; plus strand). Cytogenetic location: 16q22.1.
Variant type: single nucleotide variant.
Coding change: c.2347A>G on transcript NM_004360.5 (MANE Select); coding-DNA position 2347, A replaced by G.
Protein change: p.Thr783Ala; replaces threonine 783 with alanine.
Molecular consequence: missense variant.
Genome position (GRCh38, 1-based): chr16:68,829,705, A>G. VCF-style: chr16-68829705-A-G. GRCh37 (hg19) VCF-style: chr16-68863608-A-G.
Other names: c.2164A>G, p.Thr722Ala (NM_001317184.2); c.799A>G, p.Thr267Ala (NM_001317185.2); c.382A>G, p.Thr128Ala (NM_001317186.2); short protein forms T783A, T128A, T267A, T722A.
Identifiers: ClinVar variation 1478835 (VCV001478835.8), dbSNP rs2152142308, ClinGen allele CA396470993.

ClinVar aggregate classification (germline): Uncertain significance (1 of 4 stars; one submission).

Conditions:
Hereditary diffuse gastric adenocarcinoma (HDGC). Also called: DIFFUSE GASTRIC AND LOBULAR BREAST CANCER SYNDROME. Identifiers: Orphanet 26106, MedGen C1708349, MONDO:0007648, OMIM 137215.

Submission:

Labcorp Genetics (formerly Invitae), Labcorp
Classification: Uncertain significance for Hereditary diffuse gastric adenocarcinoma. Last evaluated: 2021-07-06. Review status: criteria provided, single submitter. Criteria: Invitae Variant Classification Sherloc (09022015). Collection method: clinical testing. Allele origin: germline.
Comment: This sequence change replaces threonine with alanine at codon 783 of the CDH1 protein (p.Thr783Ala). The threonine residue is moderately conserved and there is a small physicochemical difference between threonine and alanine. This variant is not present in population databases (ExAC no frequency). This variant has not been reported in the literature in individuals affected with CDH1-related conditions. Algorithms developed to predict the effect of missense changes on protein structure and function (SIFT, PolyPhen-2, Align-GVGD) all suggest that this variant is likely to be tolerated. Experimental studies are conflicting or provide insufficient evidence to determine the effect of this variant on CDH1 protein function (PMID: 27203386). In summary, the available evidence is currently insufficient to determine the role of this variant in disease. Therefore, it has been classified as a Variant of Uncertain Significance.

Literature cited by the submitters: PubMed 27203386.